The following is an entry in ClinVar:

NM_000057.4(BLM):c.1726G>C (p.Ala576Pro)

Gene: BLM (BLM RecQ like helicase; plus strand). Cytogenetic location: 15q26.1.
Variant type: single nucleotide variant.
Coding change: c.1726G>C on transcript NM_000057.4 (MANE Select); coding-DNA position 1726, G replaced by C.
Protein change: p.Ala576Pro; replaces alanine 576 with proline.
Molecular consequence: missense variant.
Genome position (GRCh38, 1-based): chr15:90,761,099, G>C. VCF-style: chr15-90761099-G-C. GRCh37 (hg19) VCF-style: chr15-91304329-G-C.
Other names: c.1726G>C, p.Ala576Pro (NM_001287246.2, NM_001287247.2); c.601G>C, p.Ala201Pro (NM_001287248.2); short protein forms A201P, A576P.
Identifiers: ClinVar variation 3224008 (VCV003224008.1), dbSNP rs2505428472, ClinGen allele CA393843714.

ClinVar aggregate classification (germline): Uncertain significance (1 of 4 stars; one submission).

Conditions:
Hereditary cancer-predisposing syndrome. Also called: Tumor predisposition; Hereditary neoplastic syndrome; Hereditary Cancer Syndrome; Neoplastic Syndromes, Hereditary. Identifiers: Orphanet 140162, MedGen C0027672, MeSH D009386, MONDO:0015356.

Submission:

Ambry Genetics
Classification: Uncertain significance for Hereditary cancer-predisposing syndrome. Last evaluated: 2023-10-13. Review status: criteria provided, single submitter. Criteria: Ambry Variant Classification Scheme 2023. Collection method: clinical testing. Allele origin: germline.
Comment: The p.A576P variant (also known as c.1726G>C), located in coding exon 6 of the BLM gene, results from a G to C substitution at nucleotide position 1726. The alanine at codon 576 is replaced by proline, an amino acid with highly similar properties. This amino acid position is conserved. In addition, this alteration is predicted to be tolerated by in silico analysis. Since supporting evidence is limited at this time, the clinical significance of this alteration remains unclear.